The following is an entry in ClinVar:

ClinVar aggregate classification (germline): Benign. Review status: criteria provided, multiple submitters, no conflicts (2 of 4 stars). 2 submissions from 2 submitters: Benign (2). Last evaluated 2018-06-22.

Allele frequency attached by ClinVar (database versions not stated): TOPMed 0.52864; 1000 Genomes Project 0.53494; 1000 Genomes Project 30x 0.53529; gnomAD 0.53628 and 0.53261.
gnomAD v4.1: 81,653 of 151,936 alleles (54%); highest among the groups gnomAD compares: Middle Eastern, 75%; 22,539 homozygotes.

Submissions (2):

GeneDx
Classification: Benign. Last evaluated: 2018-06-22. Review status: criteria provided, single submitter. Criteria: GeneDx Variant Classification Process June 2021. Collection method: clinical testing. Allele origin: germline. Affected: yes.

Women's Health and Genetics/Laboratory Corporation of America, LabCorp
Classification: Benign. Last evaluated: 2018-03-27. Review status: criteria provided, single submitter. Criteria: LabCorp Variant Classification Summary - May 2015. Collection method: clinical testing. Allele origin: germline.
Comment: Variant summary: ATM c.6807+238G>C is located at a position not widely known to affect splicing. 5/5 computational tools predict no significant impact on normal splicing. However, these predictions have yet to be confirmed by functional studies. The variant allele was found at a frequency of 0.53 in 30856 control chromosomes, suggesting that it is the major allele and therefore benign. The observed variant frequency is approximately 133-folds higher than the estimated maximal expected allele frequency for a pathogenic variant in ATM causing Ataxia-Telangiectasia phenotype (0.004), strongly suggesting that the variant is benign. No clinical diagnostic laboratories have submitted clinical-significance assessments for this variant to ClinVar after 2014. Based on the evidence outlined above, the variant was classified as benign.

NM_000051.4(ATM):c.6807+238G>C

Genes: ATM (ATM serine/threonine kinase; plus strand), C11orf65 (chromosome 11 open reading frame 65; minus strand). Cytogenetic location: 11q22.3.
Variant type: single nucleotide variant.
Coding change: c.6807+238G>C on transcript NM_000051.4 (MANE Select); 238 bases into the intron after coding-DNA position 6807, G replaced by C.
Molecular consequence: intron variant.
Genome position (GRCh38, 1-based): chr11:108,325,782, G>C. VCF-style: chr11-108325782-G-C. GRCh37 (hg19) VCF-style: chr11-108196509-G-C.
Other names: c.6807+238G>C (NM_001351834.2); c.641-16711C>G (NM_001330368.2); c.*38+9438C>G (NM_001351110.2).
Identifiers: ClinVar variation 632649 (VCV000632649.5), dbSNP rs609429, ClinGen allele CA15700385.